The following is an entry in ClinVar:

ClinVar aggregate classification (germline): Uncertain significance (1 of 4 stars; one submission).

Conditions:
Hereditary cancer-predisposing syndrome. Also called: Hereditary neoplastic syndrome; Neoplastic Syndromes, Hereditary; Tumor predisposition; Hereditary Cancer Syndrome. Identifiers: Orphanet 140162, MedGen C0027672, MeSH D009386, MONDO:0015356.

Submission:

Ambry Genetics
Classification: Uncertain significance for Hereditary cancer-predisposing syndrome. Last evaluated: 2025-01-23. Review status: criteria provided, single submitter. Criteria: Ambry Variant Classification Scheme 2023. Collection method: clinical testing. Allele origin: germline.
Comment: The p.P58R variant (also known as c.173C>G), located in coding exon 2 of the BLM gene, results from a C to G substitution at nucleotide position 173. The proline at codon 58 is replaced by arginine, an amino acid with dissimilar properties. This amino acid position is conserved. In addition, this alteration is predicted to be tolerated by in silico analysis. Based on the available evidence, the clinical significance of this variant remains unclear.

NM_000057.4(BLM):c.173C>G (p.Pro58Arg)

Gene: BLM (BLM RecQ like helicase; plus strand). Cytogenetic location: 15q26.1.
Variant type: single nucleotide variant.
Coding change: c.173C>G on transcript NM_000057.4 (MANE Select); coding-DNA position 173, C replaced by G.
Protein change: p.Pro58Arg; replaces proline 58 with arginine.
Molecular consequence: missense variant. On other transcripts: 5 prime UTR variant (1).
Genome position (GRCh38, 1-based): chr15:90,749,441, C>G. VCF-style: chr15-90749441-C-G. GRCh37 (hg19) VCF-style: chr15-91292671-C-G.
Other names: c.173C>G, p.Pro58Arg (NM_001287246.2, NM_001287247.2); c.-1119C>G (NM_001287248.2); short protein forms P58R.
Identifiers: ClinVar variation 3824457 (VCV003824457.1).